The following is an entry in ClinVar:

NM_000937.5(POLR2A):c.1529A>G (p.Glu510Gly)

Gene: POLR2A (RNA polymerase II subunit A; plus strand). Cytogenetic location: 17p13.1.
Variant type: single nucleotide variant.
Coding change: c.1529A>G on transcript NM_000937.5 (MANE Select); coding-DNA position 1529, A replaced by G.
Protein change: p.Glu510Gly; replaces glutamic acid 510 with glycine.
Molecular consequence: missense variant.
Genome position (GRCh38, 1-based): chr17:7,499,349, A>G. VCF-style: chr17-7499349-A-G. GRCh37 (hg19) VCF-style: chr17-7402668-A-G.
Other names: short protein forms E510G.
Identifiers: ClinVar variation 4883444 (VCV004883444.2).
Genomic context (GRCh38, chr17:7,499,349, plus strand): 5'-CTCCGTACAATGCAGACTTTGACGGGGATGAGATGAACTTGCACCTGCCACAGTCTCTGG[A>G]GACGCGAGCAGAGATCCAGGAGCTGGCCATGGTTCCTCGCATGATTGTCACCCCCCAGAG-3'
Protein context (NP_000928.1, residues 500-520): EMNLHLPQSL[Glu510Gly]TRAEIQELAM

ClinVar aggregate classification (germline): Uncertain significance (1 of 4 stars; one submission).

Submission:

Dasa
Classification: Uncertain significance. Last evaluated: 2025-12-09. Review status: criteria provided, single submitter. Criteria: DASA Assertion Criteria. Collection method: clinical testing. Allele origin: germline.
Comment: NM_000937.5(POLR2A):c.1529A>G (p.Glu510Gly) is a missense variant that results in the substitution of glutamic acid with glycine. This variant is rare in population databases. Computational prediction algorithms are consistent with a deleterious effect. The currently available literature and clinical evidence are not sufficient to establish a definitive association between this variant and the reported condition. Therefore, this variant is classified as a variant of uncertain significance.